The following is an entry in ClinVar:

ClinVar aggregate classification (germline): Uncertain significance. Review status: criteria provided, single submitter (1 of 4 stars). 2 submissions from 2 submitters: Uncertain significance (1). 1 of the submissions does not count toward it. Last evaluated 2021-08-13.

Conditions:
Autosomal recessive polycystic kidney disease (ARPKD). Also called: AR polycystic kidney disease. Identifiers: Orphanet 731, Orphanet 8378, MedGen C0085548, MeSH D017044, MONDO:0009889.

Allele frequency attached by ClinVar (database versions not stated): gnomAD exomes below 0.00001.
gnomAD v4.1: 2 of 1,614,166 alleles (0.00012%); highest among the groups gnomAD compares: Non-Finnish European, 0.00017%; no homozygotes.

Submissions (2):

Labcorp Genetics (formerly Invitae), Labcorp
Classification: Uncertain significance for Autosomal recessive polycystic kidney disease. Last evaluated: 2021-08-13. Review status: criteria provided, single submitter. Criteria: Invitae Variant Classification Sherloc (09022015). Collection method: clinical testing. Allele origin: germline.
Comment: This sequence change replaces isoleucine with threonine at codon 1406 of the PKHD1 protein (p.Ile1406Thr). The isoleucine residue is weakly conserved and there is a moderate physicochemical difference between isoleucine and threonine. This variant is not present in population databases (ExAC no frequency). This variant has not been reported in the literature in individuals affected with PKHD1-related conditions. Algorithms developed to predict the effect of missense changes on protein structure and function are either unavailable or do not agree on the potential impact of this missense change (SIFT: "Deleterious"; PolyPhen-2: "Benign"; Align-GVGD: "Class C0"). In summary, the available evidence is currently insufficient to determine the role of this variant in disease. Therefore, it has been classified as a Variant of Uncertain Significance.

Natera, Inc.
Classification: Uncertain significance for Autosomal recessive polycystic kidney disease. Last evaluated: 2020-09-16. Review status: no assertion criteria provided. Collection method: clinical testing. Allele origin: germline. Not counted in ClinVar's aggregate classification.

NM_138694.4(PKHD1):c.4217T>C (p.Ile1406Thr)

Gene: PKHD1 (PKHD1 ciliary IPT domain containing fibrocystin/polyductin; minus strand). Cytogenetic location: 6p12.2.
Variant type: single nucleotide variant.
Coding change: c.4217T>C on transcript NM_138694.4 (MANE Select); coding-DNA position 4217, T replaced by C.
Protein change: p.Ile1406Thr; replaces isoleucine 1406 with threonine.
Molecular consequence: missense variant.
Genome position (GRCh38, 1-based): chr6:52,025,593, A>G on the plus strand (T>C on the coding strand, the complement: PKHD1 is on the minus strand). VCF-style: chr6-52025593-A-G. GRCh37 (hg19) VCF-style: chr6-51890391-A-G.
Other names: c.4217T>C, p.Ile1406Thr (NM_170724.3); short protein forms I1406T.
Identifiers: ClinVar variation 581516 (VCV000581516.4), dbSNP rs1562166222, ClinGen allele CA364434903.